The following is an entry in ClinVar:

ClinVar aggregate classification (germline): Likely pathogenic (1 of 4 stars; one submission).

Conditions:
Alzheimer disease type 1 (AD1). Also called: ALZHEIMER DISEASE, FAMILIAL, 1; ALZHEIMER DISEASE, FAMILIAL, 1, AUTOSOMAL RECESSIVE. Identifiers: MedGen C1863052, MONDO:0007088, OMIM 104300.
Cerebral amyloid angiopathy, APP-related. Also called: AMYLOIDOSIS, CEREBROARTERIAL, APP-RELATED; Cerebral amyloid angiopathy, Dutch, Italian, Iowa, Flemish, Arctic variants. Identifiers: Orphanet 100006, Orphanet 324703, Orphanet 324708, Orphanet 324713, Orphanet 324718, Orphanet 324723, Orphanet 85458, MedGen C2751536, MONDO:0011583, OMIM 605714.

Submission:

Center for Human Genetics and Genomic Medicine, Uniklinik Rwth Aachen
Classification: Likely pathogenic for Alzheimer disease type 1; Cerebral amyloid angiopathy, APP-related. Last evaluated: 2023-11-14. Review status: criteria provided, single submitter. Criteria: ACMG Guidelines, 2015. Collection method: clinical testing. Allele origin: unknown. Inheritance: Autosomal dominant inheritance. Affected: yes. Observed: 1 heterozygote.
Comment: The variant was not detected in the general population (gnomAD). It has not yet been reported in the dbSNP151 and ClinVar databases. In the locus-specific database Alzforum, the variant is classified as likely pathogenic. In the literature, the variant has already been described in one family in three patients with early-onset Alzheimer's disease. (PMID: 37051054) In addition, another nucleotide change at this position (c.2061A>T) with the same amino acid change was reported in a patient with early-onset Alzheimer's disease. In vitro studies showed reduced cleavage of the amyloid ßA4 precursor protein by α-secretase and increased Aß40 and Aß42 levels in the presence of this variant. (PMID: 22514144) Bioinformatically, the change is classified as "probably disease-causing" (PolyPhen2, Mutation Taster, SIFT; CADDphred 24). Based on current knowledge, the variant is classified as likely pathogenic (ACMG criteria).

Literature cited by the submitters: PubMed 37051054; PubMed 22514144.

NM_000484.4(APP):c.2061A>C (p.Lys687Asn)

Gene: APP (amyloid beta precursor protein; minus strand). Cytogenetic location: 21q21.3.
Variant type: single nucleotide variant.
Coding change: c.2061A>C on transcript NM_000484.4 (MANE Select); coding-DNA position 2061, A replaced by C.
Protein change: p.Lys687Asn; replaces lysine 687 with asparagine.
Molecular consequence: missense variant.
Genome position (GRCh38, 1-based): chr21:25,897,576, T>G on the plus strand (A>C on the coding strand, the complement: APP is on the minus strand). VCF-style: chr21-25897576-T-G. GRCh37 (hg19) VCF-style: chr21-27269888-T-G.
Other names: c.1989A>C, p.Lys663Asn (NM_001136016.3); c.1668A>C, p.Lys556Asn (NM_001136129.3); c.1893A>C, p.Lys631Asn (NM_001136130.3, NM_001385253.1); c.1731A>C, p.Lys577Asn (NM_001136131.3); c.2007A>C, p.Lys669Asn (NM_001204301.2); c.1950A>C, p.Lys650Asn (NM_001204302.2); c.1782A>C, p.Lys594Asn (NM_001204303.2); c.2004A>C, p.Lys668Asn (NM_201413.3); and 1 more; short protein forms K556N, K577N, K594N, K612N, K631N, K650N, K663N, K668N.
Identifiers: ClinVar variation 2628367 (VCV002628367.2), dbSNP rs199820754, ClinGen allele CA409806222.